The following is an entry in ClinVar:

ClinVar aggregate classification (germline): Pathogenic (1 of 4 stars; one submission).

Conditions:
Ellis-van Creveld syndrome (EVC). Also called: EVC-Related Ellis-van Creveld Syndrome; EVC2-Related Ellis-van Creveld Syndrome; Chondroectodermal dysplasia; MESOECTODERMAL DYSPLASIA. Identifiers: Orphanet 289, MedGen C0013903, MONDO:0009162, OMIM 225500.
Curry-Hall syndrome (WAD). Also called: WEYERS ACRODENTAL DYSOSTOSIS. Identifiers: Orphanet 952, MedGen C0457013, MONDO:0008673, OMIM 193530.

Submission:

Labcorp Genetics (formerly Invitae), Labcorp
Classification: Pathogenic for Curry-Hall syndrome; Ellis-van Creveld syndrome. Last evaluated: 2022-02-10. Review status: criteria provided, single submitter. Criteria: Invitae Variant Classification Sherloc (09022015). Collection method: clinical testing. Allele origin: germline.
Comment: For these reasons, this variant has been classified as Pathogenic. This variant has not been reported in the literature in individuals affected with EVC2-related conditions. This variant is not present in population databases (gnomAD no frequency). This sequence change creates a premature translational stop signal (p.Gln1152Alafs*18) in the EVC2 gene. It is expected to result in an absent or disrupted protein product. Loss-of-function variants in EVC2 are known to be pathogenic (PMID: 17024374, 19810119, 19876929).

Literature cited by the submitters: PubMed 17024374; PubMed 19810119; PubMed 19876929.

NM_147127.5(EVC2):c.3454_3461del (p.Gln1152fs)

Gene: EVC2 (EvC ciliary complex subunit 2; minus strand). Cytogenetic location: 4p16.2.
Variant type: Microsatellite.
Coding change: c.3454_3461del on transcript NM_147127.5 (MANE Select); coding-DNA positions 3454 to 3461, 8 bases deleted (CAGCCTCA; older notation c.3454_3461delCAGCCTCA).
Protein change: p.Gln1152fs; shifts the reading frame from glutamine 1152.
Molecular consequence: frameshift variant.
Genome position (GRCh38, 1-based): chr4:5,568,540-5,568,547, TGAGGCTG deleted on the plus strand (CAGCCTCA on the coding strand, the reverse complement: EVC2 is on the minus strand); deleting any 8 consecutive bases within chr4:5,568,540-5,568,557 gives the same sequence; the c. name uses the placement nearest the transcript's 3' end. VCF-style (leftmost placement, unchanged base first): chr4-5568539-CTGAGGCTG-C. GRCh37 (hg19) VCF-style: chr4-5570266-CTGAGGCTG-C.
Other names: c.3214_3221del, p.Gln1072fs (NM_001166136.2); short protein forms Q1072fs, Q1152fs.
Identifiers: ClinVar variation 1939729 (VCV001939729.5), dbSNP rs1722451930, ClinGen allele CA2580616060.